The following is an entry in ClinVar:

ClinVar aggregate classification (germline): Uncertain significance. Review status: criteria provided, multiple submitters, no conflicts (2 of 4 stars). 2 submissions from 2 submitters: Uncertain significance (2). Last evaluated 2022-07-26.

Allele frequency attached by ClinVar (database versions not stated): TOPMed below 0.00001; gnomAD 0.00001 and 0.00003; gnomAD exomes 0.00003 and 0.00006; ExAC 0.00007.
gnomAD v4.1: 45 of 1,608,148 alleles (0.0028%); highest among the groups gnomAD compares: South Asian, 0.046%; no homozygotes.

Submissions (2):

GeneDx
Classification: Uncertain significance. Last evaluated: 2022-07-26. Review status: criteria provided, single submitter. Criteria: GeneDx Variant Classification Process June 2021. Collection method: clinical testing. Allele origin: germline. Affected: yes.
Comment: In silico analysis supports that this missense variant does not alter protein structure/function; Has not been previously published as pathogenic or benign to our knowledge

Labcorp Genetics (formerly Invitae), Labcorp
Classification: Uncertain significance. Last evaluated: 2021-07-12. Review status: criteria provided, single submitter. Criteria: Invitae Variant Classification Sherloc (09022015). Collection method: clinical testing. Allele origin: germline.
Comment: This variant is present in population databases (rs772816799, ExAC 0.04%). This sequence change replaces alanine with valine at codon 303 of the GIPC3 protein (p.Ala303Val). The alanine residue is highly conserved and there is a small physicochemical difference between alanine and valine. This variant has not been reported in the literature in individuals with GIPC3-related conditions. Algorithms developed to predict the effect of missense changes on protein structure and function (SIFT, PolyPhen-2, Align-GVGD) all suggest that this variant is likely to be tolerated, but these predictions have not been confirmed by published functional studies and their clinical significance is uncertain. In summary, the available evidence is currently insufficient to determine the role of this variant in disease. Therefore, it has been classified as a Variant of Uncertain Significance.

NM_133261.3(GIPC3):c.908C>T (p.Ala303Val)

Gene: GIPC3 (GIPC PDZ domain containing family member 3; plus strand). Cytogenetic location: 19p13.3.
Variant type: single nucleotide variant.
Coding change: c.908C>T on transcript NM_133261.3 (MANE Select); coding-DNA position 908, C replaced by T.
Protein change: p.Ala303Val; replaces alanine 303 with valine.
Molecular consequence: missense variant.
Genome position (GRCh38, 1-based): chr19:3,590,159, C>T. VCF-style: chr19-3590159-C-T. GRCh37 (hg19) VCF-style: chr19-3590157-C-T.
Other names: short protein forms A303V.
Identifiers: ClinVar variation 1435297 (VCV001435297.9), dbSNP rs772816799, ClinGen allele CA9080630.